The following is an entry in ClinVar:

ClinVar aggregate classification (germline): Uncertain significance. Review status: criteria provided, multiple submitters, no conflicts (2 of 4 stars). 2 submissions from 2 submitters: Uncertain significance (2). Last evaluated 2025-10-07.

Conditions:
Fanconi anemia (FA). Also called: Fanconi's anemia. Identifiers: Orphanet 84, MedGen C0015625, MeSH D005199, MONDO:0019391.
Inborn genetic diseases. Identifiers: MedGen C0950123, MeSH D030342.

Allele frequency attached by ClinVar (database versions not stated): gnomAD exomes below 0.00001.

Submissions (2):

Ambry Genetics
Classification: Uncertain significance for Inborn genetic diseases. Last evaluated: 2025-10-07. Review status: criteria provided, single submitter. Criteria: Ambry Variant Classification Scheme 2023. Collection method: clinical testing. Allele origin: germline.
Comment: The p.F641Y variant (also known as c.1922T>A), located in coding exon 11 of the FANCM gene, results from a T to A substitution at nucleotide position 1922. The phenylalanine at codon 641 is replaced by tyrosine, an amino acid with highly similar properties. This amino acid position is conserved. In addition, this alteration is predicted to be tolerated by in silico analysis. Based on the available evidence, the clinical significance of this variant remains unclear.

Labcorp Genetics (formerly Invitae), Labcorp
Classification: Uncertain significance for Fanconi anemia. Last evaluated: 2021-12-02. Review status: criteria provided, single submitter. Criteria: Invitae Variant Classification Sherloc (09022015). Collection method: clinical testing. Allele origin: germline.
Comment: This variant has not been reported in the literature in individuals affected with FANCM-related conditions. This sequence change replaces phenylalanine, which is neutral and non-polar, with tyrosine, which is neutral and polar, at codon 641 of the FANCM protein (p.Phe641Tyr). This variant is not present in population databases (gnomAD no frequency). Algorithms developed to predict the effect of missense changes on protein structure and function (SIFT, PolyPhen-2, Align-GVGD) all suggest that this variant is likely to be tolerated. In summary, the available evidence is currently insufficient to determine the role of this variant in disease. Therefore, it has been classified as a Variant of Uncertain Significance.

NM_020937.4(FANCM):c.1922T>A (p.Phe641Tyr)

Gene: FANCM (FA complementation group M; plus strand). Cytogenetic location: 14q21.2.
Variant type: single nucleotide variant.
Coding change: c.1922T>A on transcript NM_020937.4 (MANE Select); coding-DNA position 1922, T replaced by A.
Protein change: p.Phe641Tyr; replaces phenylalanine 641 with tyrosine.
Molecular consequence: missense variant.
Genome position (GRCh38, 1-based): chr14:45,167,083, T>A. VCF-style: chr14-45167083-T-A. GRCh37 (hg19) VCF-style: chr14-45636286-T-A.
Other names: c.1922T>A (NM_020937.2); c.1844T>A, p.Phe615Tyr (NM_001308133.2); c.1922T>A, p.Phe641Tyr (NM_001308134.2); short protein forms F615Y, F641Y.
Identifiers: ClinVar variation 1420758 (VCV001420758.7), dbSNP rs2139214923, ClinGen allele CA389595066.